The following is an entry in ClinVar:

NM_001201543.2(FAM161A):c.1815A>T (p.Leu605Phe)

Gene: FAM161A (FAM161 centrosomal protein A; minus strand). Cytogenetic location: 2p15.
Variant type: single nucleotide variant.
Coding change: c.1815A>T on transcript NM_001201543.2 (MANE Select); coding-DNA position 1815, A replaced by T.
Protein change: p.Leu605Phe; replaces leucine 605 with phenylalanine.
Molecular consequence: missense variant. On other transcripts: non-coding transcript variant (1).
Genome position (GRCh38, 1-based): chr2:61,836,046, T>A on the plus strand (A>T on the coding strand, the complement: FAM161A is on the minus strand). VCF-style: chr2-61836046-T-A. GRCh37 (hg19) VCF-style: chr2-62063181-T-A.
Other names: c.1815A>T (NM_001201543.1); c.1647A>T, p.Leu549Phe (NM_032180.3); short protein forms L549F, L605F.
Identifiers: ClinVar variation 991306 (VCV000991306.8), dbSNP rs372597586, ClinGen allele CA1679026.

ClinVar aggregate classification (germline): Uncertain significance. Review status: criteria provided, multiple submitters, no conflicts (2 of 4 stars). 6 submissions from 6 submitters: Uncertain significance (5). 1 of the submissions does not count toward it. Last evaluated 2025-11-10.

Conditions:
Retinitis pigmentosa 28 (RP28). Identifiers: Orphanet 791, MedGen C1419614, MONDO:0011630, OMIM 606068.
FAM161A-related disorder. Also called: FAM161A-related condition.
Inborn genetic diseases. Identifiers: MedGen C0950123, MeSH D030342.

Allele frequency attached by ClinVar (database versions not stated): TOPMed 0.00005; ESP Exome Variant Server 0.00009.
gnomAD v4.1: 46 of 1,611,900 alleles (0.0029%); highest among the groups gnomAD compares: Middle Eastern, 0.016%; no homozygotes.

Submissions (6):

Labcorp Genetics (formerly Invitae), Labcorp
Classification: Uncertain significance. Last evaluated: 2025-11-10. Review status: criteria provided, single submitter. Criteria: Invitae Variant Classification Sherloc (09022015). Collection method: clinical testing. Allele origin: germline.
Comment: This sequence change replaces leucine, which is neutral and non-polar, with phenylalanine, which is neutral and non-polar, at codon 605 of the FAM161A protein (p.Leu605Phe). This variant is present in population databases (rs372597586, gnomAD 0.01%). This missense change has been observed in individual(s) with FAM161A-related conditions (internal data). ClinVar contains an entry for this variant (Variation ID: 991306). Invitae Evidence Modeling of protein sequence and biophysical properties (such as structural, functional, and spatial information, amino acid conservation, physicochemical variation, residue mobility, and thermodynamic stability) indicates that this missense variant is not expected to disrupt FAM161A protein function with a negative predictive value of 80%. In summary, the available evidence is currently insufficient to determine the role of this variant in disease. Therefore, it has been classified as a Variant of Uncertain Significance.

PreventionGenetics, part of Exact Sciences
Classification: Uncertain significance for FAM161A-related condition. Last evaluated: 2025-03-27. Review status: criteria provided, single submitter. Criteria: ACMG Guidelines, 2015. Collection method: clinical testing. Allele origin: germline.
Comment: The FAM161A c.1815A>T variant is predicted to result in the amino acid substitution p.Leu605Phe. To our knowledge, this variant has not been reported in the literature. This variant is present in 0.0099% of alleles in individuals of South Asian descent in gnomAD. At this time, the clinical significance of this variant is uncertain due to the absence of conclusive functional and genetic evidence.

Blueprint Genetics
Classification: Uncertain significance. Last evaluated: 2024-09-25. Review status: criteria provided, single submitter. Criteria: ACMG Guidelines, 2015. Collection method: clinical testing. Allele origin: germline.

Ambry Genetics
Classification: Uncertain significance for Inborn genetic diseases. Last evaluated: 2024-03-31. Review status: criteria provided, single submitter. Criteria: Ambry Variant Classification Scheme 2023. Collection method: clinical testing. Allele origin: germline.

Department of Pathology and Laboratory Medicine, Sinai Health System
Classification: Uncertain significance for Retinitis pigmentosa 28. Last evaluated: 2022-01-12. Review status: criteria provided, single submitter. Criteria: ACMG Guidelines, 2015. Collection method: research. Allele origin: germline.

Natera, Inc.
Classification: Uncertain significance for Retinitis pigmentosa type 28. Last evaluated: 2020-08-21. Review status: no assertion criteria provided. Collection method: clinical testing. Allele origin: germline. Not counted in ClinVar's aggregate classification.